The following is an entry in ClinVar:

NM_001374828.1(ARID1B):c.5491C>T (p.Gln1831Ter)

Gene: ARID1B (AT-rich interaction domain 1B; plus strand). Cytogenetic location: 6q25.3.
Variant type: single nucleotide variant.
Coding change: c.5491C>T on transcript NM_001374828.1 (MANE Select); coding-DNA position 5491, C replaced by T.
Protein change: p.Gln1831Ter; replaces glutamine 1831 with a stop codon.
Molecular consequence: nonsense.
Genome position (GRCh38, 1-based): chr6:157,206,263, C>T. VCF-style: chr6-157206263-C-T. GRCh37 (hg19) VCF-style: chr6-157527397-C-T.
Other names: c.2992C>T, p.Gln998Ter (NM_001363725.2); c.5371C>T, p.Gln1791Ter (NM_001371656.1, NM_001374820.1); c.5332C>T, p.Gln1778Ter (NM_017519.3); c.5122C>T (NM_020732.3); short protein forms Q1778*, Q1791*, Q1831*, Q998*.
Identifiers: ClinVar variation 3901537 (VCV003901537.1).

ClinVar aggregate classification (germline): Pathogenic (1 of 4 stars; one submission).

Submission:

GeneDx
Classification: Pathogenic. Last evaluated: 2024-12-04. Review status: criteria provided, single submitter. Criteria: GeneDx Variant Classification Process June 2021. Collection method: clinical testing. Allele origin: germline. Affected: yes.
Comment: Nonsense variant predicted to result in protein truncation, as the last 542 amino acid(s) are lost, and other loss-of-function variants have been reported downstream in HGMD; Not observed at significant frequency in large population cohorts (gnomAD); Has not been previously published as pathogenic or benign to our knowledge